The following is an entry in ClinVar:

NM_006121.4(KRT1):c.1309_1320dup (p.Leu437_Ala440dup)

Gene: KRT1 (keratin 1; minus strand). Cytogenetic location: 12q13.13.
Variant type: Duplication.
Coding change: c.1309_1320dup on transcript NM_006121.4 (MANE Select); coding-DNA positions 1309 to 1320, 12 bases duplicated (CTCAAGGATGCC).
Protein change: p.Leu437_Ala440dup.
Molecular consequence: inframe insertion.
Genome position (GRCh38, 1-based): chr12:52,676,430-52,676,441, GGCATCCTTGAG duplicated on the plus strand (CTCAAGGATGCC on the coding strand, the reverse complement: KRT1 is on the minus strand); duplicating any 12 consecutive bases within chr12:52,676,430-52,676,446 gives the same sequence; the c. name uses the placement nearest the transcript's 3' end. VCF-style (leftmost placement, unchanged base first): chr12-52676429-T-TGGCATCCTTGAG. GRCh37 (hg19) VCF-style: chr12-53070213-T-TGGCATCCTTGAG.
Identifiers: ClinVar variation 1384073 (VCV001384073.6), dbSNP rs2121001206, ClinGen allele CA2573148760.

ClinVar aggregate classification (germline): Uncertain significance (1 of 4 stars; one submission).

Submission:

Labcorp Genetics (formerly Invitae), Labcorp
Classification: Uncertain significance. Last evaluated: 2021-11-09. Review status: criteria provided, single submitter. Criteria: Invitae Variant Classification Sherloc (09022015). Collection method: clinical testing. Allele origin: germline.
Comment: This variant, c.1309_1320dup, results in the insertion of 4 amino acid(s) of the KRT1 protein (p.Leu437_Ala440dup), but otherwise preserves the integrity of the reading frame. This variant is not present in population databases (gnomAD no frequency). This variant has not been reported in the literature in individuals affected with KRT1-related conditions. Experimental studies and prediction algorithms are not available or were not evaluated, and the functional significance of this variant is currently unknown. In summary, the available evidence is currently insufficient to determine the role of this variant in disease. Therefore, it has been classified as a Variant of Uncertain Significance.